The following is an entry in ClinVar:

NM_016222.4(DDX41):c.362C>T (p.Ala121Val)

Gene: DDX41 (DEAD-box helicase 41; minus strand). Cytogenetic location: 5q35.3.
Variant type: single nucleotide variant.
Coding change: c.362C>T on transcript NM_016222.4 (MANE Select); coding-DNA position 362, C replaced by T.
Protein change: p.Ala121Val; replaces alanine 121 with valine.
Molecular consequence: missense variant. On other transcripts: 5 prime UTR variant (2).
Genome position (GRCh38, 1-based): chr5:177,516,130, G>A on the plus strand (C>T on the coding strand, the complement: DDX41 is on the minus strand). VCF-style: chr5-177516130-G-A. GRCh37 (hg19) VCF-style: chr5-176943131-G-A.
Other names: c.-17C>T (NM_001321732.2, NM_001321830.2); short protein forms A121V.
Identifiers: ClinVar variation 2629809 (VCV002629809.1), dbSNP rs2532089083, ClinGen allele CA362376683.

ClinVar aggregate classification (germline): Uncertain significance (1 of 4 stars; one submission).

Conditions:
DDX41-related disorder. Also called: DDX41-related condition.

Submission:

PreventionGenetics, part of Exact Sciences
Classification: Uncertain significance for DDX41-related condition. Last evaluated: 2023-01-09. Review status: criteria provided, single submitter. Criteria: ACMG Guidelines, 2015. Collection method: clinical testing. Allele origin: germline.
Comment: The DDX41 c.362C>T variant is predicted to result in the amino acid substitution p.Ala121Val. To our knowledge, this variant has not been reported in the literature or in a large population database, indicating this variant is rare. At this time, the clinical significance of this variant is uncertain due to the absence of conclusive functional and genetic evidence.